The following is an entry in ClinVar:

NM_000836.4(GRIN2D):c.3901G>A (p.Ala1301Thr)

Gene: GRIN2D (glutamate ionotropic receptor NMDA type subunit 2D; plus strand). Cytogenetic location: 19q13.33.
Variant type: single nucleotide variant.
Coding change: c.3901G>A on transcript NM_000836.4 (MANE Select); coding-DNA position 3901, G replaced by A.
Protein change: p.Ala1301Thr; replaces alanine 1301 with threonine.
Molecular consequence: missense variant.
Genome position (GRCh38, 1-based): chr19:48,443,827, G>A. VCF-style: chr19-48443827-G-A. GRCh37 (hg19) VCF-style: chr19-48947084-G-A.
Other names: short protein forms A1301T.
Identifiers: ClinVar variation 4799624 (VCV004799624.1).

ClinVar aggregate classification (germline): Uncertain significance (1 of 4 stars; one submission).

Submission:

Labcorp Genetics (formerly Invitae), Labcorp
Classification: Uncertain significance. Last evaluated: 2025-04-14. Review status: criteria provided, single submitter. Criteria: Invitae Variant Classification Sherloc (09022015). Collection method: clinical testing. Allele origin: germline.
Comment: This sequence change replaces alanine, which is neutral and non-polar, with threonine, which is neutral and polar, at codon 1301 of the GRIN2D protein (p.Ala1301Thr). This variant is present in population databases (no rsID available, gnomAD 0.04%). This variant has not been reported in the literature in individuals affected with GRIN2D-related conditions. Invitae Evidence Modeling of protein sequence and biophysical properties (such as structural, functional, and spatial information, amino acid conservation, physicochemical variation, residue mobility, and thermodynamic stability) indicates that this missense variant is not expected to disrupt GRIN2D protein function with a negative predictive value of 95%. In summary, the available evidence is currently insufficient to determine the role of this variant in disease. Therefore, it has been classified as a Variant of Uncertain Significance.